The following is an entry in ClinVar:

NM_020949.3(SLC7A14):c.568C>T (p.Leu190Phe)

Genes: SLC7A14 (solute carrier family 7 member 14; minus strand), SLC7A14-AS1 (SLC7A14 antisense RNA 1; plus strand). Cytogenetic location: 3q26.2.
Variant type: single nucleotide variant.
Coding change: c.568C>T on transcript NM_020949.3 (MANE Select); coding-DNA position 568, C replaced by T.
Protein change: p.Leu190Phe; replaces leucine 190 with phenylalanine.
Molecular consequence: missense variant.
Genome position (GRCh38, 1-based): chr3:170,498,858, G>A on the plus strand (C>T on the coding strand, the complement: SLC7A14 is on the minus strand). VCF-style: chr3-170498858-G-A. GRCh37 (hg19) VCF-style: chr3-170216647-G-A.
Other names: short protein forms L190F.
Identifiers: ClinVar variation 2105780 (VCV002105780.4), dbSNP rs750487882, ClinGen allele CA2701885.

ClinVar aggregate classification (germline): Uncertain significance (1 of 4 stars; one submission).

Allele frequency attached by ClinVar (database versions not stated): TOPMed below 0.00001; ExAC 0.00001.
gnomAD v4.1: 2 of 1,614,112 alleles (0.00012%); highest among the groups gnomAD compares: Non-Finnish European, 0.000085%; no homozygotes.

Submission:

Labcorp Genetics (formerly Invitae), Labcorp
Classification: Uncertain significance. Last evaluated: 2022-05-07. Review status: criteria provided, single submitter. Criteria: Invitae Variant Classification Sherloc (09022015). Collection method: clinical testing. Allele origin: germline.
Comment: In summary, the available evidence is currently insufficient to determine the role of this variant in disease. Therefore, it has been classified as a Variant of Uncertain Significance. Algorithms developed to predict the effect of missense changes on protein structure and function (SIFT, PolyPhen-2, Align-GVGD) all suggest that this variant is likely to be tolerated. This variant has not been reported in the literature in individuals affected with SLC7A14-related conditions. This variant is present in population databases (rs750487882, gnomAD 0.0009%). This sequence change replaces leucine, which is neutral and non-polar, with phenylalanine, which is neutral and non-polar, at codon 190 of the SLC7A14 protein (p.Leu190Phe).